The following is an entry in ClinVar:

ClinVar aggregate classification (germline): Uncertain significance (1 of 4 stars; one submission).

Conditions:
Hereditary motor and sensory neuropathy, Okinawa type (HMSNO). Also called: HEREDITARY MOTOR AND SENSORY NEUROPATHY, PROXIMAL TYPE. Identifiers: Orphanet 90117, MedGen C1858338, MONDO:0011468, OMIM 604484.
Hereditary spastic paraplegia 57. Also called: Spastic paraplegia 57, autosomal recessive. Identifiers: Orphanet 431329, MedGen C3714897, MONDO:0014295, OMIM 615658.

Submission:

Labcorp Genetics (formerly Invitae), Labcorp
Classification: Uncertain significance for Hereditary motor and sensory neuropathy, Okinawa type; Hereditary spastic paraplegia 57. Last evaluated: 2020-10-01. Review status: criteria provided, single submitter. Criteria: Invitae Variant Classification Sherloc (09022015). Collection method: clinical testing. Allele origin: germline.
Comment: In summary, the available evidence is currently insufficient to determine the role of this variant in disease. Therefore, it has been classified as a Variant of Uncertain Significance. Algorithms developed to predict the effect of missense changes on protein structure and function are either unavailable or do not agree on the potential impact of this missense change (SIFT: "Deleterious"; PolyPhen-2: "Possibly Damaging"; Align-GVGD: "Class C15"). This variant has not been reported in the literature in individuals with TFG-related conditions. This variant is not present in population databases (ExAC no frequency). This sequence change replaces phenylalanine with cysteine at codon 388 of the TFG protein (p.Phe388Cys). The phenylalanine residue is highly conserved and there is a large physicochemical difference between phenylalanine and cysteine.

NM_006070.6(TFG):c.1163T>G (p.Phe388Cys)

Gene: TFG (trafficking from ER to golgi regulator; plus strand). Cytogenetic location: 3q12.2.
Variant type: single nucleotide variant.
Coding change: c.1163T>G on transcript NM_006070.6 (MANE Select); coding-DNA position 1163, T replaced by G.
Protein change: p.Phe388Cys; replaces phenylalanine 388 with cysteine.
Molecular consequence: missense variant.
Genome position (GRCh38, 1-based): chr3:100,748,491, T>G. VCF-style: chr3-100748491-T-G. GRCh37 (hg19) VCF-style: chr3-100467335-T-G.
Other names: c.1163T>G, p.Phe388Cys (NM_001007565.2, NM_001195478.2); c.1151T>G, p.Phe384Cys (NM_001195479.2); short protein forms F384C, F388C.
Identifiers: ClinVar variation 1051770 (VCV001051770.9), dbSNP rs2149106914, ClinGen allele CA353854654.